The following is an entry in ClinVar:

NM_017534.6(MYH2):c.4655A>C (p.Glu1552Ala)

Genes: MYH2 (myosin heavy chain 2; minus strand), MYHAS (myosin heavy chain gene cluster antisense RNA; plus strand), LOC126862500 (BRD4-independent group 4 enhancer GRCh37_chr17:10427829-10429028; plus strand). Cytogenetic location: 17p13.1.
Variant type: single nucleotide variant.
Coding change: c.4655A>C on transcript NM_017534.6 (MANE Select); coding-DNA position 4655, A replaced by C.
Protein change: p.Glu1552Ala; replaces glutamic acid 1552 with alanine.
Molecular consequence: missense variant.
Genome position (GRCh38, 1-based): chr17:10,525,231, T>G on the plus strand (A>C on the coding strand, the complement: MYH2 is on the minus strand). VCF-style: chr17-10525231-T-G. GRCh37 (hg19) VCF-style: chr17-10428548-T-G.
Other names: c.4655A>C, p.Glu1552Ala (NM_001100112.2); short protein forms E1552A.
Identifiers: ClinVar variation 1315407 (VCV001315407.2), dbSNP rs2142293115, ClinGen allele CA398124320.

ClinVar aggregate classification (germline): Uncertain significance (1 of 4 stars; one submission).

Submission:

GeneDx
Classification: Uncertain significance. Last evaluated: 2020-03-07. Review status: criteria provided, single submitter. Criteria: GeneDx Variant Classification Process June 2021. Collection method: clinical testing. Allele origin: germline. Affected: yes.
Comment: Has not been previously published as pathogenic or benign to our knowledge; Not observed in large population cohorts (Lek et al., 2016); In silico analysis supports that this missense variant has a deleterious effect on protein structure/function